The following is an entry in ClinVar:

ClinVar aggregate classification (germline): Conflicting classifications of pathogenicity. Review status: criteria provided, conflicting classifications (1 of 4 stars). 2 submissions from 2 submitters: Likely pathogenic (1); Uncertain significance (1). Last evaluated 2024-11-13.

Conditions:
RAI1-related disorder. Also called: RAI1-related condition.

Allele frequency attached by ClinVar (database versions not stated): TOPMed 0.00001; ExAC 0.00002.
gnomAD v4.1: 5 of 1,613,614 alleles (0.00031%); highest among the groups gnomAD compares: Admixed American, 0.0017%; no homozygotes.

Submissions (2):

PreventionGenetics, part of Exact Sciences
Classification: Uncertain significance for RAI1-related condition. Last evaluated: 2024-11-13. Review status: criteria provided, single submitter. Criteria: ACMG Guidelines, 2015. Collection method: clinical testing. Allele origin: germline.
Comment: The RAI1 c.3440G>A variant is predicted to result in the amino acid substitution p.Arg1147Gln. This variant has been reported to occur de novo in one individual with autism, cognitive impairment, motor delay, sleep disturbance, aggressive behavior, hyperactivity, and overeating (Abad et al. 2018. PubMed ID: 29794985). Functional studies suggested that the p.Arg1147Gln variant could impact protein function as a transcription factor. This variant is reported in 0.0054% of alleles in individuals of East Asian descent in gnomAD. At this time, the clinical significance of this variant is uncertain due to the absence of conclusive functional and genetic evidence.

Labcorp Genetics (formerly Invitae), Labcorp
Classification: Likely pathogenic. Last evaluated: 2023-10-13. Review status: criteria provided, single submitter. Criteria: Invitae Variant Classification Sherloc (09022015). Collection method: clinical testing. Allele origin: germline.
Comment: This sequence change replaces arginine, which is basic and polar, with glutamine, which is neutral and polar, at codon 1147 of the RAI1 protein (p.Arg1147Gln). This variant is present in population databases (rs772898321, gnomAD 0.006%). This missense change has been observed in individual(s) with clinical features of autosomal dominant Smith-Magenis syndrome (PMID: 29794985). In at least one individual the variant was observed to be de novo. ClinVar contains an entry for this variant (Variation ID: 2129534). Advanced modeling of protein sequence and biophysical properties (such as structural, functional, and spatial information, amino acid conservation, physicochemical variation, residue mobility, and thermodynamic stability) performed at Invitae indicates that this missense variant is expected to disrupt RAI1 protein function. Experimental studies are conflicting or provide insufficient evidence to determine the effect of this variant on RAI1 function (PMID: 29794985). In summary, the currently available evidence indicates that the variant is pathogenic, but additional data are needed to prove that conclusively. Therefore, this variant has been classified as Likely Pathogenic.

Literature cited by the submitters: PubMed 29794985 (cited by Labcorp Genetics (formerly Invitae), Labcorp).

NM_030665.4(RAI1):c.3440G>A (p.Arg1147Gln)

Gene: RAI1 (retinoic acid induced 1; plus strand). Cytogenetic location: 17p11.2.
Variant type: single nucleotide variant.
Coding change: c.3440G>A on transcript NM_030665.4 (MANE Select); coding-DNA position 3440, G replaced by A.
Protein change: p.Arg1147Gln; replaces arginine 1147 with glutamine.
Molecular consequence: missense variant.
Genome position (GRCh38, 1-based): chr17:17,796,388, G>A. VCF-style: chr17-17796388-G-A. GRCh37 (hg19) VCF-style: chr17-17699702-G-A.
Other names: c.3440G>A (NM_030665.3); short protein forms R1147Q.
Identifiers: ClinVar variation 2129534 (VCV002129534.7), dbSNP rs772898321, ClinGen allele CA8418722.